The following is an entry in ClinVar:

ClinVar aggregate classification (germline): Uncertain significance (1 of 4 stars; one submission).

gnomAD v4.1: 16 of 1,614,176 alleles (0.00099%); highest among the groups gnomAD compares: Non-Finnish European, 0.0014%; no homozygotes.

Submission:

Labcorp Genetics (formerly Invitae), Labcorp
Classification: Uncertain significance. Last evaluated: 2025-08-29. Review status: criteria provided, single submitter. Criteria: Invitae Variant Classification Sherloc (09022015). Collection method: clinical testing. Allele origin: germline.
Comment: This sequence change replaces alanine, which is neutral and non-polar, with proline, which is neutral and non-polar, at codon 737 of the ZHX3 protein (p.Ala737Pro). This variant is present in population databases (rs34073395, gnomAD 0.0009%). This variant has not been reported in the literature in individuals affected with ZHX3-related conditions. An algorithm developed to predict the effect of missense changes on protein structure and function (PolyPhen-2) suggests that this variant is likely to be disruptive. In summary, the available evidence is currently insufficient to determine the role of this variant in disease. Therefore, it has been classified as a Variant of Uncertain Significance.

NM_001384317.1(ZHX3):c.2209G>C (p.Ala737Pro)

Gene: ZHX3 (zinc fingers and homeoboxes 3; minus strand). Cytogenetic location: 20q12.
Variant type: single nucleotide variant.
Coding change: c.2209G>C on transcript NM_001384317.1 (MANE Select); coding-DNA position 2209, G replaced by C.
Protein change: p.Ala737Pro; replaces alanine 737 with proline.
Molecular consequence: missense variant.
Genome position (GRCh38, 1-based): chr20:41,202,708, C>G on the plus strand (G>C on the coding strand, the complement: ZHX3 is on the minus strand). VCF-style: chr20-41202708-C-G. GRCh37 (hg19) VCF-style: chr20-39831348-C-G.
Other names: c.2209G>C, p.Ala737Pro (NM_001384315.1, NM_001384316.1, NM_001384318.1 and 8 more transcripts); short protein forms A737P.
Identifiers: ClinVar variation 4781265 (VCV004781265.1).
Genomic context (GRCh38, chr20:41,202,708, plus strand): 5'-TTGACTCATCATCCTCAGGGTCACAGGCACCCAGCCCTGGAATCTCGTTCCTGCCATTGG[C>G]TTCAGTGACCCTCAGGTTCTTCAGGTTGATTTTAATGGGGCTGACTTTGCGCTCTGCCAA-3'
Protein context (NP_001371246.1, residues 727-747): INLKNLRVTE[Ala737Pro]NGRNEIPGLG